The following is an entry in ClinVar:

ClinVar aggregate classification (germline): Uncertain significance (1 of 4 stars; one submission).

Submission:

Mayo Clinic Laboratories, Mayo Clinic
Classification: Uncertain significance. Last evaluated: 2024-08-23. Review status: criteria provided, single submitter. Criteria: ACMG Guidelines, 2015. Collection method: clinical testing. Allele origin: germline. Observed: 1 variant allele.
Comment: PM2, PVS1_moderate

NM_001372.4(DNAH9):c.13277del (p.Pro4426fs)

Gene: DNAH9 (dynein axonemal heavy chain 9; plus strand). Cytogenetic location: 17p12.
Variant type: Deletion.
Coding change: c.13277del on transcript NM_001372.4 (MANE Select); coding-DNA position 13277, one base deleted (C; older notation c.13277delC).
Protein change: p.Pro4426fs; shifts the reading frame from proline 4426.
Molecular consequence: frameshift variant.
Genome position (GRCh38, 1-based): chr17:11,969,343, C deleted; the last of 5 consecutive C bases (chr17:11,969,339-11,969,343); deleting any one gives the same sequence. VCF-style (leftmost placement, unchanged base first): chr17-11969338-AC-A. GRCh37 (hg19) VCF-style: chr17-11872655-AC-A.
Other names: p.Pro4426Leufs*4; c.2213del, p.Pro738fs (NM_004662.2); short protein forms P4426fs, P738fs.
Identifiers: ClinVar variation 3380467 (VCV003380467.1).